The following is an entry in ClinVar:

ClinVar aggregate classification (germline): Conflicting classifications of pathogenicity. Review status: criteria provided, conflicting classifications (1 of 4 stars). 4 submissions from 4 submitters: Likely pathogenic (1); Uncertain significance (3). Last evaluated 2025-04-22.

Conditions:
DNA ligase IV deficiency. Identifiers: Orphanet 99812, MedGen C1847827, MONDO:0011686, OMIM 606593.

Allele frequency attached by ClinVar (database versions not stated): gnomAD exomes below 0.00001; gnomAD 0.00001; ExAC 0.00002; TOPMed 0.00003.
gnomAD v4.1: 4 of 1,613,168 alleles (0.00025%); highest among the groups gnomAD compares: African/African-American, 0.0027%; no homozygotes.

Submissions (4):

Dasa
Classification: Uncertain significance. Last evaluated: 2025-04-22. Review status: criteria provided, single submitter. Criteria: DASA Assertion Criteria. Collection method: clinical testing. Allele origin: germline.
Comment: NM_206937.2(LIG4):c.56T>G (p.Leu19Trp) is a missense variant that results in the substitution of leucine with tryptophan. This variant has been reported in individuals with LIG4-related disorders (PMID: 35592332). Also, this variant is rare in population databases. The currently available literature and clinical evidence are not sufficient to establish a definitive association between this variant and the reported condition. Therefore, this variant is classified as a variant of uncertain significance.

CeGaT Center for Human Genetics Tuebingen
Classification: Likely pathogenic. Last evaluated: 2025-03-01. Review status: criteria provided, single submitter. Criteria: CeGaT Center For Human Genetics Tuebingen Variant Classification Criteria Version 2. Collection method: clinical testing. Allele origin: germline. Affected: yes. Observed: 1 variant allele.
Comment: LIG4: PM3:Strong, PM2

Women's Health and Genetics/Laboratory Corporation of America, LabCorp
Classification: Uncertain significance. Last evaluated: 2024-10-08. Review status: criteria provided, single submitter. Criteria: LabCorp Variant Classification Summary - May 2015. Collection method: clinical testing. Allele origin: germline.
Comment: Variant summary: LIG4 c.56T>G (p.Leu19Trp) results in a non-conservative amino acid change located in the DNA ligase, ATP-dependent, N-terminal domain of the encoded protein sequence. Four of five in-silico tools predict a damaging effect of the variant on protein function. The variant allele was found at a frequency of 8e-06 in 249468 control chromosomes. c.56T>G has been reported in the literature in individuals affected with severe aplastic anemia and ligase IV deficiency (e.g., Castro_2022, McReynolds_2022, Fridlyand_2023). These data indicate that the variant may be associated with disease. To our knowledge, no experimental evidence demonstrating an impact on protein function has been reported. The following publications have been ascertained in the context of this evaluation (PMID: 35592332, 35776903, 35665709). ClinVar contains an entry for this variant (Variation ID: 1920777). Based on the evidence outlined above, the variant was classified as VUS-possibly pathogenic.

Labcorp Genetics (formerly Invitae), Labcorp
Classification: Uncertain significance for DNA ligase IV deficiency. Last evaluated: 2021-12-22. Review status: criteria provided, single submitter. Criteria: Invitae Variant Classification Sherloc (09022015). Collection method: clinical testing. Allele origin: germline.
Comment: This sequence change replaces leucine, which is neutral and non-polar, with tryptophan, which is neutral and slightly polar, at codon 19 of the LIG4 protein (p.Leu19Trp). This variant is present in population databases (rs765520147, gnomAD 0.003%). This variant has not been reported in the literature in individuals affected with LIG4-related conditions. Algorithms developed to predict the effect of missense changes on protein structure and function are either unavailable or do not agree on the potential impact of this missense change (SIFT: "Deleterious"; PolyPhen-2: "Probably Damaging"; Align-GVGD: "Class C15"). In summary, the available evidence is currently insufficient to determine the role of this variant in disease. Therefore, it has been classified as a Variant of Uncertain Significance.

Literature cited by the submitters: PubMed 35592332 (cited by Dasa and Women's Health and Genetics/Laboratory Corporation of America, LabCorp); PubMed 35776903 (cited by Women's Health and Genetics/Laboratory Corporation of America, LabCorp); PubMed 35665709 (cited by Women's Health and Genetics/Laboratory Corporation of America, LabCorp).

NM_206937.2(LIG4):c.56T>G (p.Leu19Trp)

Gene: LIG4 (DNA ligase 4; minus strand). Cytogenetic location: 13q33.3.
Variant type: single nucleotide variant.
Coding change: c.56T>G on transcript NM_206937.2 (MANE Select); coding-DNA position 56, T replaced by G.
Protein change: p.Leu19Trp; replaces leucine 19 with tryptophan.
Molecular consequence: missense variant. On other transcripts: 5 prime UTR variant (1).
Genome position (GRCh38, 1-based): chr13:108,211,213, A>C on the plus strand (T>G on the coding strand, the complement: LIG4 is on the minus strand). VCF-style: chr13-108211213-A-C. GRCh37 (hg19) VCF-style: chr13-108863561-A-C.
Other names: c.56T>G, p.Leu19Trp (NM_001098268.2, NM_001352598.2, NM_001352599.2 and 6 more transcripts); c.-146T>G (NM_001330595.2); c.92T>G, p.Leu31Trp (NM_001352604.2); short protein forms L19W, L31W.
Identifiers: ClinVar variation 1920777 (VCV001920777.12), dbSNP rs765520147, ClinGen allele CA7043899.